The following is an entry in ClinVar:

NM_006031.6(PCNT):c.3174T>C (p.Phe1058=)

Gene: PCNT (pericentrin; plus strand). Cytogenetic location: 21q22.3.
Variant type: single nucleotide variant.
Coding change: c.3174T>C on transcript NM_006031.6 (MANE Select); coding-DNA position 3174, T replaced by C.
Protein change: p.Phe1058=; no amino-acid change (phenylalanine 1058 retained).
Molecular consequence: synonymous variant.
Genome position (GRCh38, 1-based): chr21:46,381,702, T>C. VCF-style: chr21-46381702-T-C. GRCh37 (hg19) VCF-style: chr21-47801617-T-C.
Other names: c.2820T>C, p.Phe940= (NM_001315529.2).
Identifiers: ClinVar variation 5000913 (VCV005000913.1).
Genomic context (GRCh38, chr21:46,381,702, plus strand): 5'-GAAAGTATTTTTCTAGCTTACTGGTATTTTTTATTGTTATTGATGTGTACAGGGTGAATT[T>C]GGAAGTGAAAAGAAAACTGCTTTGCATGAAAAAGAGGAGACACTTCGGCTTCAGAGTGCA-3'
Protein context (NP_006022.3, residues 1048-1068): HELQGVHQGE[Phe1058=]GSEKKTALHE

ClinVar aggregate classification (germline): Likely benign (1 of 4 stars; one submission).

Conditions:
PCNT-related disorder. Also called: PCNT-related condition.

Submission:

PreventionGenetics, part of Exact Sciences
Classification: Likely benign for PCNT-related condition. Last evaluated: 2025-05-28. Review status: criteria provided, single submitter. Criteria: ACMG Guidelines, 2015. Collection method: clinical testing. Allele origin: germline.
Comment: This variant is classified as likely benign based on ACMG/AMP sequence variant interpretation guidelines (Richards et al. 2015 PMID: 25741868, with internal and published modifications).